The following is an entry in ClinVar:

ClinVar aggregate classification (germline): Uncertain significance (1 of 4 stars; one submission).

Submission:

Labcorp Genetics (formerly Invitae), Labcorp
Classification: Uncertain significance. Last evaluated: 2022-09-27. Review status: criteria provided, single submitter. Criteria: Invitae Variant Classification Sherloc (09022015). Collection method: clinical testing. Allele origin: germline.
Comment: This variant has not been reported in the literature in individuals affected with P3H2-related conditions. In summary, the available evidence is currently insufficient to determine the role of this variant in disease. Therefore, it has been classified as a Variant of Uncertain Significance. Advanced modeling of protein sequence and biophysical properties (such as structural, functional, and spatial information, amino acid conservation, physicochemical variation, residue mobility, and thermodynamic stability) performed at Invitae indicates that this missense variant is not expected to disrupt P3H2 protein function. This variant is not present in population databases (gnomAD no frequency). This sequence change replaces glutamine, which is neutral and polar, with arginine, which is basic and polar, at codon 284 of the P3H2 protein (p.Gln284Arg).

NM_018192.4(P3H2):c.851A>G (p.Gln284Arg)

Gene: P3H2 (prolyl 3-hydroxylase 2; minus strand). Cytogenetic location: 3q28.
Variant type: single nucleotide variant.
Coding change: c.851A>G on transcript NM_018192.4 (MANE Select); coding-DNA position 851, A replaced by G.
Protein change: p.Gln284Arg; replaces glutamine 284 with arginine.
Molecular consequence: missense variant.
Genome position (GRCh38, 1-based): chr3:189,989,011, T>C on the plus strand (A>G on the coding strand, the complement: P3H2 is on the minus strand). VCF-style: chr3-189989011-T-C. GRCh37 (hg19) VCF-style: chr3-189706800-T-C.
Other names: c.308A>G, p.Gln103Arg (NM_001134418.2); short protein forms Q103R, Q284R.
Identifiers: ClinVar variation 1967949 (VCV001967949.5), dbSNP rs2473821527, ClinGen allele CA355758956.